The following is an entry in ClinVar:

ClinVar aggregate classification (germline): Conflicting classifications of pathogenicity. Review status: criteria provided, conflicting classifications (1 of 4 stars). 7 submissions from 7 submitters: Uncertain significance (4); Benign (1); Likely benign (1). 1 of the submissions does not count toward it. Last evaluated 2026-01-09.

Conditions:
CNTNAP2-related disorder. Also called: CNTNAP2-related condition.
Cortical dysplasia-focal epilepsy syndrome (PTHSL1). Also called: Pitt-Hopkins-like syndrome 1. Identifiers: Orphanet 163681, Orphanet 221150, MedGen C2750246, MONDO:0012400, OMIM 610042.

Allele frequency attached by ClinVar (database versions not stated): ExAC 0.00005; gnomAD exomes 0.00007 and 0.00008; gnomAD 0.00011 and 0.00013; TOPMed 0.00012.
gnomAD v4.1: 134 of 1,609,400 alleles (0.0083%); highest among the groups gnomAD compares: Middle Eastern, 0.4%; no homozygotes.

Submissions (7):

Labcorp Genetics (formerly Invitae), Labcorp
Classification: Likely benign for Cortical dysplasia-focal epilepsy syndrome. Last evaluated: 2026-01-09. Review status: criteria provided, single submitter. Criteria: Invitae Variant Classification Sherloc (09022015). Collection method: clinical testing. Allele origin: germline.

Blueprint Genetics
Classification: Uncertain significance. Last evaluated: 2024-03-13. Review status: criteria provided, single submitter. Criteria: ACMG Guidelines, 2015. Collection method: clinical testing. Allele origin: germline.

Illumina Laboratory Services, Illumina
Classification: Uncertain significance for Cortical dysplasia-focal epilepsy syndrome. Last evaluated: 2018-01-13. Review status: criteria provided, single submitter. Criteria: ICSL Variant Classification Criteria 13 December 2019. Collection method: clinical testing. Allele origin: germline.

Genetic Services Laboratory, University of Chicago
Classification: Uncertain significance. Last evaluated: 2017-01-20. Review status: criteria provided, single submitter. Criteria: ACMG Guidelines, 2015. Collection method: clinical testing. Allele origin: germline. Affected: no.

Eurofins Ntd Llc (ga)
Classification: Uncertain significance. Last evaluated: 2015-11-23. Review status: criteria provided, single submitter. Criteria: EGL Classification Definitions 2015. Collection method: clinical testing. Allele origin: germline. Observed: 1 variant allele, 1 heterozygote.

GeneDx
Classification: Benign. Last evaluated: 2014-08-08. Review status: criteria provided, single submitter. Criteria: GeneDx Variant Classification (06012015). Collection method: clinical testing. Allele origin: germline. Affected: yes.
Comment: This variant is considered likely benign or benign based on one or more of the following criteria: it is a conservative change, it occurs at a poorly conserved position in the protein, it is predicted to be benign by multiple in silico algorithms, and/or has population frequency not consistent with disease.

PreventionGenetics, part of Exact Sciences
Classification: Likely benign for CNTNAP2-related condition. Last evaluated: 2019-03-25. Review status: no assertion criteria provided. Collection method: clinical testing. Allele origin: germline. Not counted in ClinVar's aggregate classification.
Comment: This variant is classified as likely benign based on ACMG/AMP sequence variant interpretation guidelines (Richards et al. 2015 PMID: 25741868, with internal and published modifications).

NM_014141.6(CNTNAP2):c.1777+7G>A

Gene: CNTNAP2 (contactin associated protein 2; plus strand). Cytogenetic location: 7q35.
Variant type: single nucleotide variant.
Coding change: c.1777+7G>A on transcript NM_014141.6 (MANE Select); 7 bases into the intron after coding-DNA position 1777, G replaced by A.
Molecular consequence: intron variant.
Genome position (GRCh38, 1-based): chr7:147,486,048, G>A. VCF-style: chr7-147486048-G-A. GRCh37 (hg19) VCF-style: chr7-147183140-G-A.
Identifiers: ClinVar variation 205216 (VCV000205216.28), dbSNP rs770951811, ClinGen allele CA314072.